The following is an entry in ClinVar:

NM_199355.4(ADAMTS18):c.3338G>A (p.Arg1113Gln)

Gene: ADAMTS18 (ADAM metallopeptidase with thrombospondin type 1 motif 18; minus strand). Cytogenetic location: 16q23.1.
Variant type: single nucleotide variant.
Coding change: c.3338G>A on transcript NM_199355.4 (MANE Select); coding-DNA position 3338, G replaced by A.
Protein change: p.Arg1113Gln; replaces arginine 1113 with glutamine.
Molecular consequence: missense variant.
Genome position (GRCh38, 1-based): chr16:77,291,330, C>T on the plus strand (G>A on the coding strand, the complement: ADAMTS18 is on the minus strand). VCF-style: chr16-77291330-C-T. GRCh37 (hg19) VCF-style: chr16-77325227-C-T.
Other names: c.2822G>A, p.Arg941Gln (NM_001326358.2); c.3338G>A (NM_199355.2); short protein forms R1113Q, R941Q.
Identifiers: ClinVar variation 1360488 (VCV001360488.4), dbSNP rs569230225, ClinGen allele CA8180491.

ClinVar aggregate classification (germline): Uncertain significance. Review status: criteria provided, multiple submitters, no conflicts (2 of 4 stars). 2 submissions from 2 submitters: Uncertain significance (2). Last evaluated 2022-07-19.

Conditions:
Inborn genetic diseases. Identifiers: MedGen C0950123, MeSH D030342.

Allele frequency attached by ClinVar (database versions not stated): TOPMed below 0.00001; gnomAD 0.00001 and 0.00003; ExAC 0.00002; gnomAD exomes 0.00002.
gnomAD v4.1: 35 of 1,614,154 alleles (0.0022%); highest among the groups gnomAD compares: South Asian, 0.019%; no homozygotes.

Submissions (2):

Labcorp Genetics (formerly Invitae), Labcorp
Classification: Uncertain significance. Last evaluated: 2022-07-19. Review status: criteria provided, single submitter. Criteria: Invitae Variant Classification Sherloc (09022015). Collection method: clinical testing. Allele origin: germline.
Comment: This sequence change replaces arginine with glutamine at codon 1113 of the ADAMTS18 protein (p.Arg1113Gln). The arginine residue is weakly conserved and there is a small physicochemical difference between arginine and glutamine. This variant is present in population databases (rs569230225, gnomAD 0.01%). This variant has not been reported in the literature in individuals affected with ADAMTS18-related conditions. ClinVar contains an entry for this variant (Variation ID: 1360488). Algorithms developed to predict the effect of missense changes on protein structure and function are either unavailable or do not agree on the potential impact of this missense change (SIFT: "Not Available"; PolyPhen-2: "Benign"; Align-GVGD: "Not Available"). In summary, the available evidence is currently insufficient to determine the role of this variant in disease. Therefore, it has been classified as a Variant of Uncertain Significance.

Ambry Genetics
Classification: Uncertain significance for Inborn genetic diseases. Last evaluated: 2022-03-21. Review status: criteria provided, single submitter. Criteria: Ambry Variant Classification Scheme 2023. Collection method: clinical testing. Allele origin: germline.